The following is an entry in ClinVar:

NM_000535.7(PMS2):c.608C>G (p.Thr203Ser)

Gene: PMS2 (PMS1 homolog 2, mismatch repair system component; minus strand). Cytogenetic location: 7p22.1.
Variant type: single nucleotide variant.
Coding change: c.608C>G on transcript NM_000535.7 (MANE Select); coding-DNA position 608, C replaced by G.
Protein change: p.Thr203Ser; replaces threonine 203 with serine.
Molecular consequence: missense variant. On other transcripts: 5 prime UTR variant (2), non-coding transcript variant (1), intron variant (1).
Genome position (GRCh38, 1-based): chr7:5,999,205, G>C on the plus strand (C>G on the coding strand, the complement: PMS2 is on the minus strand). VCF-style: chr7-5999205-G-C. GRCh37 (hg19) VCF-style: chr7-6038836-G-C.
Other names: c.203C>G, p.Thr68Ser (NM_001322003.2, NM_001322004.2, NM_001322005.2 and 2 more transcripts); c.608C>G, p.Thr203Ser (NM_001322006.2, NM_001322014.2); c.290C>G, p.Thr97Ser (NM_001322007.2, NM_001322008.2); c.-326C>G (NM_001322011.2, NM_001322012.2); c.299C>G, p.Thr100Ser (NM_001322015.2); c.133-1782C>G (NM_001322013.2); short protein forms T203S, T68S, T100S, T97S.
Identifiers: ClinVar variation 186883 (VCV000186883.41), dbSNP rs779946576, ClinGen allele CA012411.

ClinVar aggregate classification (germline): Conflicting classifications of pathogenicity. Review status: criteria provided, conflicting classifications (1 of 4 stars). 10 submissions from 10 submitters: Uncertain significance (8); Benign (1). 1 of the submissions does not count toward it. Last evaluated 2026-01-21.

Conditions:
PMS2-related disorder. Also called: PMS2-related condition.
Lynch syndrome. Identifiers: Orphanet 144, MedGen C4552100, MONDO:0005835. Disease mechanism: loss of function.
Mismatch repair cancer syndrome 4. Identifiers: MedGen C5436817, MONDO:0030843, OMIM 619101.
Hereditary nonpolyposis colorectal neoplasms. Identifiers: MedGen C0009405, MeSH D003123.
Hereditary cancer-predisposing syndrome. Also called: Neoplastic Syndromes, Hereditary; Tumor predisposition; Hereditary Cancer Syndrome; Hereditary neoplastic syndrome. Identifiers: Orphanet 140162, MedGen C0027672, MeSH D009386, MONDO:0015356.
Lynch syndrome 4 (LYNCH4). Also called: Colorectal cancer, hereditary nonpolyposis, type 4; Hereditary non-polyposis colorectal cancer, type 4. Identifiers: Orphanet 144, MedGen C1838333, MONDO:0013699, OMIM 614337. Disease mechanism: loss of function.

Allele frequency attached by ClinVar (database versions not stated): TOPMed below 0.00001; gnomAD 0.00001; gnomAD exomes 0.00001; ExAC 0.00002.
gnomAD v4.1: 28 of 1,613,906 alleles (0.0017%); highest among the groups gnomAD compares: Non-Finnish European, 0.0023%; no homozygotes.

Submissions (10):

Labcorp Genetics (formerly Invitae), Labcorp
Classification: Benign for Hereditary nonpolyposis colorectal neoplasms. Last evaluated: 2026-01-21. Review status: criteria provided, single submitter. Criteria: Invitae Variant Classification Sherloc (09022015). Collection method: clinical testing. Allele origin: germline.

Ambry Genetics
Classification: Uncertain significance for Hereditary cancer-predisposing syndrome. Last evaluated: 2025-09-24. Review status: criteria provided, single submitter. Criteria: Ambry Variant Classification Scheme 2023. Collection method: clinical testing. Allele origin: germline.
Comment: The p.T203S variant (also known as c.608C>G), located in coding exon 6 of the PMS2 gene, results from a C to G substitution at nucleotide position 608. The threonine at codon 203 is replaced by serine, an amino acid with similar properties. This amino acid position is not well conserved in available vertebrate species, and serine is the reference amino acid in several species. In addition, this alteration is predicted to be tolerated by in silico analysis. Based on the available evidence, the clinical significance of this variant remains unclear.

Center for Genomic Medicine, Rigshospitalet, Copenhagen University Hospital
Classification: Uncertain significance. Last evaluated: 2025-03-04. Review status: criteria provided, single submitter. Criteria: ACMG Guidelines, 2015. Collection method: clinical testing. Allele origin: germline.

Molecular Pathology, Peter Maccallum Cancer Centre
Classification: Uncertain significance for Lynch syndrome 4. Last evaluated: 2025-01-06. Review status: criteria provided, single submitter. Criteria: ACMG Guidelines, 2015. Collection method: clinical testing. Allele origin: germline. Inheritance: Autosomal dominant inheritance.

GeneDx
Classification: Uncertain significance. Last evaluated: 2024-12-17. Review status: criteria provided, single submitter. Criteria: GeneDx Variant Classification Process June 2021. Collection method: clinical testing. Allele origin: germline. Affected: yes.
Comment: Not observed at significant frequency in large population cohorts (gnomAD); In silico analysis indicates that this missense variant does not alter protein structure/function; Identified in an individual with endometrial cancer (PMID: 29684080); This variant is associated with the following publications: (PMID: 11574484, 29684080)

Quest Diagnostics Nichols Institute San Juan Capistrano
Classification: Uncertain significance. Last evaluated: 2024-09-29. Review status: criteria provided, single submitter. Criteria: Quest Diagnostics criteria. Collection method: clinical testing. Allele origin: unknown.
Comment: The PMS2 c.608C>G (p.Thr203Ser) variant has been detected in the published literature in individuals with breast cancer (PMIDs: 33471991 (2021) and 35884425 (2022), see also LOVD), in individuals with uterine corpus endometrial carcinoma (PMIDs: 26689913 (2015), 30311369 (2018), and 29684080 (2018)), and in reportedly healthy individuals (PMID: 33471991 (2021), see also LOVD). The variant has also been reported in along with a PMS2 copy number variant in an individual undergoing genetic testing (PMID: 29895855 (2019)). The frequency of this variant in the general population, 0.000008 (2/251494 chromosomes (Genome Aggregation Database)), is uninformative in the assessment of its pathogenicity. Analysis of this variant using bioinformatics tools for the prediction of the effect of amino acid changes on protein structure and function yielded predictions that this variant is benign. Based on the available information, we are unable to determine the clinical significance of this variant.

Baylor Genetics
Classification: Uncertain significance for Lynch syndrome 4. Last evaluated: 2024-03-09. Review status: criteria provided, single submitter. Criteria: ACMG Guidelines, 2015. Collection method: clinical testing. Allele origin: unknown.

All of Us Research Program, National Institutes of Health
Classification: Uncertain significance for Lynch syndrome. Last evaluated: 2023-12-18. Review status: criteria provided, single submitter. Criteria: ACMG Guidelines, 2015. Collection method: clinical testing. Allele origin: germline. Inheritance: Autosomal dominant inheritance. Observed: 6 variant alleles, 6 heterozygotes.
Comment: This missense variant replaces threonine with serine at codon 203 of the PMS2 protein. Computational prediction suggests that this variant may not impact protein structure and function (internally defined REVEL score threshold <= 0.5, PMID: 27666373). Splice site prediction tools suggest that this variant may not impact RNA splicing. To our knowledge, functional studies have not been performed for this variant. This variant has been reported in individuals affected with uterine cancer (PMID: 26689913, 29684080). This variant has been identified in 2/251494 chromosomes in the general population by the Genome Aggregation Database (gnomAD). The available evidence is insufficient to determine the role of this variant in disease conclusively. Therefore, this variant is classified as a Variant of Uncertain Significance.

This study involves interpretation of variants in research participants for the purpose of population health screening. Participant phenotype was not available at the time of variant classification. Additional details can be found in publication PMID: 35346344, PMCID: PMC8962531

Color Diagnostics, LLC DBA Color Health
Classification: Uncertain significance for Hereditary cancer-predisposing syndrome. Last evaluated: 2023-11-02. Review status: criteria provided, single submitter. Criteria: ACMG Guidelines, 2015. Collection method: clinical testing. Allele origin: germline.
Comment: This missense variant replaces threonine with serine at codon 203 of the PMS2 protein. Computational prediction suggests that this variant may not impact protein structure and function (internally defined REVEL score threshold <= 0.5, PMID: 27666373). To our knowledge, functional studies have not been performed for this variant. This variant has been reported in at least one individual affected with uterine cancer (PMID: 26689913, 29684080). This variant has been identified in 2/251494 chromosomes in the general population by the Genome Aggregation Database (gnomAD). The available evidence is insufficient to determine the role of this variant in disease conclusively. Therefore, this variant is classified as a Variant of Uncertain Significance.

PreventionGenetics, part of Exact Sciences
Classification: Uncertain significance for PMS2-related condition. Last evaluated: 2023-10-27. Review status: no assertion criteria provided. Collection method: clinical testing. Allele origin: germline. Not counted in ClinVar's aggregate classification.
Comment: The PMS2 c.608C>G variant is predicted to result in the amino acid substitution p.Thr203Ser. To our knowledge, this variant has not been reported in the literature. This variant is reported in 0.0018% of alleles in individuals of European (Non-Finnish) descent in gnomAD. At this time, the clinical significance of this variant is uncertain due to the absence of conclusive functional and genetic evidence.

Literature cited by the submitters: PubMed 29684080 (cited by 3 submitters); PubMed 26689913 (cited by 3 submitters); PubMed 33471991 (cited by Quest Diagnostics Nichols Institute San Juan Capistrano); PubMed 29895855 (cited by Quest Diagnostics Nichols Institute San Juan Capistrano); PubMed 35884425 (cited by Quest Diagnostics Nichols Institute San Juan Capistrano); PubMed 37231433 (cited by Quest Diagnostics Nichols Institute San Juan Capistrano); PubMed 30311369 (cited by Quest Diagnostics Nichols Institute San Juan Capistrano).